The following is an entry in ClinVar:

ClinVar aggregate classification (germline): Uncertain significance (1 of 4 stars; one submission).

Conditions:
Dilated cardiomyopathy 1II (CMD1II). Identifiers: Orphanet 154, MedGen C3554649, MONDO:0014073, OMIM 615184.

Submission:

Labcorp Genetics (formerly Invitae), Labcorp
Classification: Uncertain significance for Dilated cardiomyopathy 1II. Last evaluated: 2025-01-27. Review status: criteria provided, single submitter. Criteria: Invitae Variant Classification Sherloc (09022015). Collection method: clinical testing. Allele origin: germline.
Comment: This sequence change replaces proline, which is neutral and non-polar, with arginine, which is basic and polar, at codon 148 of the CRYAB protein (p.Pro148Arg). This variant is not present in population databases (gnomAD no frequency). This variant has not been reported in the literature in individuals affected with CRYAB-related conditions. An algorithm developed to predict the effect of missense changes on protein structure and function (PolyPhen-2) suggests that this variant is likely to be disruptive. In summary, the available evidence is currently insufficient to determine the role of this variant in disease. Therefore, it has been classified as a Variant of Uncertain Significance.

NM_001289808.2(CRYAB):c.443C>G (p.Pro148Arg)

Gene: CRYAB (crystallin alpha B; minus strand). Cytogenetic location: 11q23.1.
Variant type: single nucleotide variant.
Coding change: c.443C>G on transcript NM_001289808.2 (MANE Select); coding-DNA position 443, C replaced by G.
Protein change: p.Pro148Arg; replaces proline 148 with arginine.
Molecular consequence: missense variant.
Genome position (GRCh38, 1-based): chr11:111,908,849, G>C on the plus strand (C>G on the coding strand, the complement: CRYAB is on the minus strand). VCF-style: chr11-111908849-G-C. GRCh37 (hg19) VCF-style: chr11-111779573-G-C.
Other names: c.443C>G, p.Pro148Arg (NM_001289807.1, NM_001368245.1, NM_001885.3); c.242C>G, p.Pro81Arg (NM_001330379.1, NM_001368246.1); short protein forms P81R, P148R.
Identifiers: ClinVar variation 3729196 (VCV003729196.2).